The following is an entry in ClinVar:

ClinVar aggregate classification (germline): Pathogenic (1 of 4 stars; one submission).

Conditions:
Familial cancer of breast. Also called: BREAST CANCER, FAMILIAL; Hereditary breast cancer; hereditary breast carcinoma. Identifiers: Orphanet 227535, MedGen C0346153, MONDO:0016419, OMIM 114480. Disease mechanism: loss of function.

Submission:

Myriad Genetics, Inc.
Classification: Pathogenic for Familial cancer of breast. Last evaluated: 2024-01-18. Review status: criteria provided, single submitter. Criteria: Myriad Autosomal Dominant, Autosomal Recessive and X-Linked Classification Criteria (2023). Collection method: clinical testing. Allele origin: unknown.
Comment: This variant is considered pathogenic. This variant creates a frameshift predicted to result in premature protein truncation.

NM_000051.4(ATM):c.2668_2669del (p.Leu890fs)

Gene: ATM (ATM serine/threonine kinase; plus strand). Cytogenetic location: 11q22.3.
Variant type: Deletion.
Coding change: c.2668_2669del on transcript NM_000051.4 (MANE Select); coding-DNA positions 2668 to 2669, 2 bases deleted (CT; older notation c.2668_2669delCT).
Protein change: p.Leu890fs; shifts the reading frame from leucine 890.
Molecular consequence: frameshift variant.
Genome position (GRCh38, 1-based): chr11:108,268,439-108,268,440, CT deleted; deleting any 2 consecutive bases within chr11:108,268,438-108,268,440 gives the same sequence; the c. name uses the placement nearest the transcript's 3' end. VCF-style (leftmost placement, unchanged base first): chr11-108268437-ATC-A. GRCh37 (hg19) VCF-style: chr11-108139164-ATC-A.
Other names: c.2668_2669del, p.Leu890fs (NM_001351834.2); short protein forms L890fs.
Identifiers: ClinVar variation 3148393 (VCV003148393.1), dbSNP rs2497631200, ClinGen allele CA2825001810.
Genomic context (GRCh38, chr11:108,268,437, plus strand): 5'-CTCTTAGTGTTAATGAGTGCTTTTTATTTTTAGGTGCCATTAATCCTTTAGCTGAAGAAT[ATC>A]TGTCAAAGCAAGATCTACTTTTCTTAGACATGCTCAAGTTCTTGTGTTTGTGTGTAACTA-3'